The following is an entry in ClinVar:

ClinVar aggregate classification (germline): Conflicting classifications of pathogenicity. Review status: criteria provided, conflicting classifications (1 of 4 stars). 2 submissions from 2 submitters: Uncertain significance (1); Likely benign (1). Last evaluated 2023-12-09.

Conditions:
Hereditary cancer-predisposing syndrome. Also called: Neoplastic Syndromes, Hereditary; Hereditary neoplastic syndrome; Tumor predisposition; Hereditary Cancer Syndrome. Identifiers: Orphanet 140162, MedGen C0027672, MeSH D009386, MONDO:0015356.
Cardiovascular phenotype. Identifiers: MedGen CN230736.
Neurofibromatosis, type 1 (NF1). Also called: VON RECKLINGHAUSEN DISEASE; Peripheral type neurofibromatosis; NEUROFIBROMATOSIS, TYPE I, SOMATIC; Neurofibromatosis, type I. Identifiers: Orphanet 636, MedGen C0027831, MONDO:0018975, OMIM 162200. Disease mechanism: loss of function.

gnomAD v4.1: 1 of 1,613,758 alleles (0.000062%); highest among the groups gnomAD compares: Non-Finnish European, 0.000085%; no homozygotes.

Submissions (2):

Ambry Genetics
Classification: Uncertain significance for Cardiovascular phenotype; Hereditary cancer-predisposing syndrome. Last evaluated: 2023-12-09. Review status: criteria provided, single submitter. Criteria: Ambry Variant Classification Scheme 2023. Collection method: clinical testing. Allele origin: germline.
Comment: The c.5547-5C>T intronic variant results from a C to T substitution 5 nucleotides upstream from coding exon 38 in the NF1 gene. This nucleotide position is not well conserved in available vertebrate species. In silico splice site analysis predicts that this alteration will not have any significant effect on splicing. Since supporting evidence is limited at this time, the clinical significance of this alteration remains unclear.

Labcorp Genetics (formerly Invitae), Labcorp
Classification: Likely benign for Neurofibromatosis, type 1. Last evaluated: 2019-07-09. Review status: criteria provided, single submitter. Criteria: Invitae Variant Classification Sherloc (09022015). Collection method: clinical testing. Allele origin: germline.

NM_001042492.3(NF1):c.5610-5C>T

Gene: NF1 (neurofibromin 1; plus strand). Cytogenetic location: 17q11.2.
Variant type: single nucleotide variant.
Coding change: c.5610-5C>T on transcript NM_001042492.3 (MANE Select); 5 bases into the intron before coding-DNA position 5610, C replaced by T.
Molecular consequence: intron variant.
Genome position (GRCh38, 1-based): chr17:31,330,291, C>T. VCF-style: chr17-31330291-C-T. GRCh37 (hg19) VCF-style: chr17-29657309-C-T.
Other names: c.5547-5C>T (NM_000267.4).
Identifiers: ClinVar variation 1077369 (VCV001077369.8), dbSNP rs2151544379, ClinGen allele CA2499224173.
Genomic context (GRCh38, chr17:31,330,291, plus strand): 5'-GAAAAAATTTTGGAACTATAAGGAAAAATACGTTTTAAAACAACTTCATTTGTGTTTTCT[C>T]CTAGGTCAGCTGCCTATAATCTTCTGTGTGCCTTAACTTGTACCTTTAATTTAAAAATCG-3'